The following is an entry in ClinVar:

NM_001297.5(CNGB1):c.3274GAG[1] (p.Glu1093del)

Gene: CNGB1 (cyclic nucleotide gated channel subunit beta 1; minus strand). Cytogenetic location: 16q21.
Variant type: Microsatellite.
Coding change: c.3274GAG[1] on transcript NM_001297.5 (MANE Select); one copy of the 3-base unit GAG starting at c.3274; the reference has two copies in a row; one copy, 3 bases deleted.
Protein change: p.Glu1093del; deletes glutamic acid 1093.
Molecular consequence: inframe deletion.
Genome position (GRCh38, 1-based): chr16:57,888,038-57,888,040, CTC deleted on the plus strand (GAG on the coding strand, the reverse complement: CNGB1 is on the minus strand); deleting any 3 consecutive bases within chr16:57,888,038-57,888,045 gives the same sequence; the position shown is the placement nearest the transcript's 3' end. VCF-style (leftmost placement, unchanged base first): chr16-57888037-TCTC-T. GRCh37 (hg19) VCF-style: chr16-57921941-TCTC-T.
Other names: c.3256GAG[1], p.Glu1087del (NM_001286130.2); short protein forms E1093del, E1087del.
Identifiers: ClinVar variation 1959906 (VCV001959906.5), dbSNP rs1293177856, ClinGen allele CA722138190.

ClinVar aggregate classification (germline): Uncertain significance (1 of 4 stars; one submission).

Submission:

Labcorp Genetics (formerly Invitae), Labcorp
Classification: Uncertain significance. Last evaluated: 2022-10-18. Review status: criteria provided, single submitter. Criteria: Invitae Variant Classification Sherloc (09022015). Collection method: clinical testing. Allele origin: germline.
Comment: In summary, the available evidence is currently insufficient to determine the role of this variant in disease. Therefore, it has been classified as a Variant of Uncertain Significance. Experimental studies and prediction algorithms are not available or were not evaluated, and the functional significance of this variant is currently unknown. This variant has not been reported in the literature in individuals affected with CNGB1-related conditions. This variant is not present in population databases (gnomAD no frequency). This variant, c.3277_3279del, results in the deletion of 1 amino acid(s) of the CNGB1 protein (p.Glu1093del), but otherwise preserves the integrity of the reading frame.